The following is an entry in ClinVar:

ClinVar aggregate classification (germline): Conflicting classifications of pathogenicity. Review status: criteria provided, conflicting classifications (1 of 4 stars). 3 submissions from 3 submitters: Uncertain significance (2); Likely benign (1). Last evaluated 2025-09-24.

Conditions:
Familial cancer of breast. Also called: BREAST CANCER, FAMILIAL; hereditary breast carcinoma; Hereditary breast cancer. Identifiers: Orphanet 227535, MedGen C0346153, MONDO:0016419, OMIM 114480. Disease mechanism: loss of function.
Hereditary cancer-predisposing syndrome. Also called: Neoplastic Syndromes, Hereditary; Tumor predisposition; Hereditary Cancer Syndrome; Hereditary neoplastic syndrome. Identifiers: Orphanet 140162, MedGen C0027672, MeSH D009386, MONDO:0015356.

Allele frequency attached by ClinVar (database versions not stated): gnomAD exomes below 0.00001.
gnomAD v4.1: 1 of 1,614,130 alleles (0.000062%); highest among the groups gnomAD compares: South Asian, 0.0011%; no homozygotes.

Submissions (3):

Labcorp Genetics (formerly Invitae), Labcorp
Classification: Uncertain significance for Familial cancer of breast. Last evaluated: 2025-09-24. Review status: criteria provided, single submitter. Criteria: Invitae Variant Classification Sherloc (09022015). Collection method: clinical testing. Allele origin: germline.
Comment: This sequence change replaces phenylalanine, which is neutral and non-polar, with serine, which is neutral and polar, at codon 347 of the BARD1 protein (p.Phe347Ser). This variant is not present in population databases (gnomAD no frequency). This variant has not been reported in the literature in individuals affected with BARD1-related conditions. ClinVar contains an entry for this variant (Variation ID: 924033). An algorithm developed to predict the effect of missense changes on protein structure and function outputs the following: PolyPhen-2: "Benign". The serine amino acid residue is found in multiple mammalian species, which suggests that this missense change does not adversely affect protein function. In summary, the available evidence is currently insufficient to determine the role of this variant in disease. Therefore, it has been classified as a Variant of Uncertain Significance.

Color Diagnostics, LLC DBA Color Health
Classification: Uncertain significance for Hereditary cancer-predisposing syndrome. Last evaluated: 2024-04-02. Review status: criteria provided, single submitter. Criteria: ACMG Guidelines, 2015. Collection method: clinical testing. Allele origin: germline.
Comment: This missense variant replaces phenylalanine with serine at codon 347 of the BARD1 protein. Computational prediction suggests that this variant may not impact protein structure and function. To our knowledge, functional studies have not been reported for this variant. This variant has not been reported in individuals affected with BARD1-related disorders in the literature. This variant has not been identified in the general population by the Genome Aggregation Database (gnomAD). The available evidence is insufficient to determine the role of this variant in disease conclusively. Therefore, this variant is classified as a Variant of Uncertain Significance.

Ambry Genetics
Classification: Likely benign for Hereditary cancer-predisposing syndrome. Last evaluated: 2020-02-11. Review status: criteria provided, single submitter. Criteria: Ambry Variant Classification Scheme 2023. Collection method: clinical testing. Allele origin: germline.

NM_000465.4(BARD1):c.1040T>C (p.Phe347Ser)

Gene: BARD1 (BRCA1 associated RING domain 1; minus strand). Cytogenetic location: 2q35.
Variant type: single nucleotide variant.
Coding change: c.1040T>C on transcript NM_000465.4 (MANE Select); coding-DNA position 1040, T replaced by C.
Protein change: p.Phe347Ser; replaces phenylalanine 347 with serine.
Molecular consequence: missense variant. On other transcripts: non-coding transcript variant (2), intron variant (3).
Genome position (GRCh38, 1-based): chr2:214,780,834, A>G on the plus strand (T>C on the coding strand, the complement: BARD1 is on the minus strand). VCF-style: chr2-214780834-A-G. GRCh37 (hg19) VCF-style: chr2-215645558-A-G.
Other names: c.983T>C, p.Phe328Ser (NM_001282543.2); c.159-28279T>C (NM_001282548.2); c.215+16227T>C (NM_001282545.2); c.364+11463T>C (NM_001282549.2); c.1040T>C (NM_000465.2); short protein forms F328S, F347S.
Identifiers: ClinVar variation 924033 (VCV000924033.16), dbSNP rs1559424172, ClinGen allele CA350454210.